The following is an entry in ClinVar:

NM_032830.3(UTP4):c.1251G>A (p.Arg417=)

Gene: UTP4 (UTP4 small subunit processome component). Cytogenetic location: 16q22.1.
Variant type: single nucleotide variant.
Coding change: c.1251G>A on transcript NM_032830.3 (MANE Select); coding-DNA position 1251, G replaced by A.
Protein change: p.Arg417=; no amino-acid change (arginine 417 retained).
Molecular consequence: synonymous variant.
Genome position (GRCh38, 1-based): chr16:69,155,957, G>A. VCF-style: chr16-69155957-G-A. GRCh37 (hg19) VCF-style: chr16-69189860-G-A.
Other names: c.1002G>A, p.Arg334= (NM_001318391.2).
Identifiers: ClinVar variation 5002326 (VCV005002326.1).

ClinVar aggregate classification (germline): Likely benign (1 of 4 stars; one submission).

Conditions:
UTP4-related disorder. Also called: UTP4-related condition.

Submission:

PreventionGenetics, part of Exact Sciences
Classification: Likely benign for UTP4-related condition. Last evaluated: 2025-07-01. Review status: criteria provided, single submitter. Criteria: ACMG Guidelines, 2015. Collection method: clinical testing. Allele origin: germline.
Comment: This variant is classified as likely benign based on ACMG/AMP sequence variant interpretation guidelines (Richards et al. 2015 PMID: 25741868, with internal and published modifications).